The following is an entry in ClinVar:

NM_176787.5(PIGN):c.222-1G>A

Gene: PIGN (phosphatidylinositol glycan anchor biosynthesis class N; minus strand). Cytogenetic location: 18q21.33.
Variant type: single nucleotide variant.
Coding change: c.222-1G>A on transcript NM_176787.5 (MANE Select); the canonical splice acceptor site of the intron before coding-DNA position 222, G replaced by A.
Molecular consequence: splice acceptor variant.
Genome position (GRCh38, 1-based): chr18:62,157,809, C>T on the plus strand (G>A on the coding strand, the complement: PIGN is on the minus strand). VCF-style: chr18-62157809-C-T. GRCh37 (hg19) VCF-style: chr18-59825042-C-T.
Other names: c.222-1G>A (NM_012327.6).
Identifiers: ClinVar variation 3007257 (VCV003007257.4), dbSNP rs2514284663, ClinGen allele CA402603927.

ClinVar aggregate classification (germline): Likely pathogenic. Review status: criteria provided, multiple submitters, no conflicts (2 of 4 stars). 2 submissions from 2 submitters: Likely pathogenic (2). Last evaluated 2024-04-07.

Conditions:
Multiple congenital anomalies-hypotonia-seizures syndrome 1 (MCAHS1). Also called: PIGN-CDG; Congenital disorder of glycosylation due to PIGN deficiency; GLYCOSYLPHOSPHATIDYLINOSITOL BIOSYNTHESIS DEFECT 3. Identifiers: Orphanet 280633, MedGen C3279775, MONDO:0013563, OMIM 614080.

Allele frequency attached by ClinVar (database versions not stated): gnomAD exomes below 0.00001.
gnomAD v4.1: 1 of 1,608,130 alleles (0.000062%); highest among the groups gnomAD compares: South Asian, 0.0011%; no homozygotes.

Submissions (2):

Fulgent Genetics
Classification: Likely pathogenic for Multiple congenital anomalies-hypotonia-seizures syndrome 1. Last evaluated: 2024-04-07. Review status: criteria provided, single submitter. Criteria: ACMG Guidelines, 2015. Collection method: clinical testing. Allele origin: germline.

Labcorp Genetics (formerly Invitae), Labcorp
Classification: Likely pathogenic for Multiple congenital anomalies-hypotonia-seizures syndrome 1. Last evaluated: 2024-03-02. Review status: criteria provided, single submitter. Criteria: Invitae Variant Classification Sherloc (09022015). Collection method: clinical testing. Allele origin: germline.
Comment: This sequence change affects an acceptor splice site in intron 4 of the PIGN gene. It is expected to disrupt RNA splicing. Variants that disrupt the donor or acceptor splice site typically lead to a loss of protein function (PMID: 16199547), and loss-of-function variants in PIGN are known to be pathogenic (PMID: 24253414, 27038415). This variant is not present in population databases (gnomAD no frequency). This variant has not been reported in the literature in individuals affected with PIGN-related conditions. Algorithms developed to predict the effect of sequence changes on RNA splicing suggest that this variant may disrupt the consensus splice site. In summary, the currently available evidence indicates that the variant is pathogenic, but additional data are needed to prove that conclusively. Therefore, this variant has been classified as Likely Pathogenic.

Literature cited by the submitters: PubMed 16199547 (cited by Labcorp Genetics (formerly Invitae), Labcorp); PubMed 24253414 (cited by Labcorp Genetics (formerly Invitae), Labcorp); PubMed 27038415 (cited by Labcorp Genetics (formerly Invitae), Labcorp).